The following is an entry in ClinVar:

ClinVar aggregate classification (germline): Likely pathogenic (1 of 4 stars; one submission).

Submission:

CeGaT Center for Human Genetics Tuebingen
Classification: Likely pathogenic. Last evaluated: 2023-02-01. Review status: criteria provided, single submitter. Criteria: CeGaT Center For Human Genetics Tuebingen Variant Classification Criteria Version 2. Collection method: clinical testing. Allele origin: germline. Affected: yes. Observed: 1 variant allele.
Comment: TGFBI: PM2, PP4:Moderate, PM5:Supporting, PS4:Supporting

NM_000358.3(TGFBI):c.1640T>G (p.Phe547Cys)

Gene: TGFBI (transforming growth factor beta induced; plus strand). Cytogenetic location: 5q31.1.
Variant type: single nucleotide variant.
Coding change: c.1640T>G on transcript NM_000358.3 (MANE Select); coding-DNA position 1640, T replaced by G.
Protein change: p.Phe547Cys; replaces phenylalanine 547 with cysteine.
Molecular consequence: missense variant.
Genome position (GRCh38, 1-based): chr5:136,056,757, T>G. VCF-style: chr5-136056757-T-G. GRCh37 (hg19) VCF-style: chr5-135392446-T-G.
Other names: short protein forms F547C.
Identifiers: ClinVar variation 2498979 (VCV002498979.28), dbSNP rs2479618543, ClinGen allele CA361041926.